The following is an entry in ClinVar:

NM_177438.3(DICER1):c.2481A>T (p.Ile827=)

Gene: DICER1 (dicer 1, ribonuclease III; minus strand). Cytogenetic location: 14q32.13.
Variant type: single nucleotide variant.
Coding change: c.2481A>T on transcript NM_177438.3 (MANE Select); coding-DNA position 2481, A replaced by T.
Protein change: p.Ile827=; no amino-acid change (isoleucine 827 retained).
Molecular consequence: synonymous variant. On other transcripts: non-coding transcript variant (6).
Genome position (GRCh38, 1-based): chr14:95,108,049, T>A on the plus strand (A>T on the coding strand, the complement: DICER1 is on the minus strand). VCF-style: chr14-95108049-T-A. GRCh37 (hg19) VCF-style: chr14-95574386-T-A.
Other names: c.2481A>T, p.Ile827= (NM_001195573.1, NM_001271282.3, NM_001291628.2 and 12 more transcripts); c.2199A>T, p.Ile733= (NM_001395686.1); c.2076A>T, p.Ile692= (NM_001395687.1, NM_001395688.1, NM_001395689.1 and 2 more transcripts); c.1914A>T, p.Ile638= (NM_001395691.1); c.798A>T, p.Ile266= (NM_001395697.1).
Identifiers: ClinVar variation 4085758 (VCV004085758.8).

ClinVar aggregate classification (germline): Likely benign (1 of 4 stars; one submission).

Submission:

CeGaT Center for Human Genetics Tuebingen
Classification: Likely benign. Last evaluated: 2025-08-01. Review status: criteria provided, single submitter. Criteria: CeGaT Center For Human Genetics Tuebingen Variant Classification Criteria Version 2. Collection method: clinical testing. Allele origin: germline. Affected: yes. Observed: 1 variant allele.
Comment: DICER1: PM2:Supporting, BP4, BP7